The following is an entry in ClinVar:

ClinVar aggregate classification (germline): Uncertain significance (1 of 4 stars; one submission).

Conditions:
Familial thoracic aortic aneurysm and aortic dissection (TAAD). Also called: Thoracic aortic aneurysms and dissections. Identifiers: Orphanet 91387, MedGen C4707243, MONDO:0019625.

Submission:

Color Diagnostics, LLC DBA Color Health
Classification: Uncertain significance for Familial thoracic aortic aneurysm and aortic dissection. Last evaluated: 2024-03-07. Review status: criteria provided, single submitter. Criteria: ACMG Guidelines, 2015. Collection method: clinical testing. Allele origin: germline.
Comment: This missense variant replaces asparagine with serine at codon 1114 of the COL3A1 protein. Computational prediction suggests that this variant may not impact protein structure and function (internally defined REVEL score threshold <= 0.5, PMID: 27666373). To our knowledge, functional studies have not been reported for this variant. This variant has not been reported in individuals affected with cardiovascular disorders in the literature. This variant has not been identified in the general population by the Genome Aggregation Database (gnomAD). The available evidence is insufficient to determine the role of this variant in disease conclusively. Therefore, this variant is classified as a Variant of Uncertain Significance.

NM_000090.4(COL3A1):c.3341A>G (p.Asn1114Ser)

Gene: COL3A1 (collagen type III alpha 1 chain; plus strand). Cytogenetic location: 2q32.2.
Variant type: single nucleotide variant.
Coding change: c.3341A>G on transcript NM_000090.4 (MANE Select); coding-DNA position 3341, A replaced by G.
Protein change: p.Asn1114Ser; replaces asparagine 1114 with serine.
Molecular consequence: missense variant.
Genome position (GRCh38, 1-based): chr2:189,007,585, A>G. VCF-style: chr2-189007585-A-G. GRCh37 (hg19) VCF-style: chr2-189872311-A-G.
Other names: short protein forms N1114S.
Identifiers: ClinVar variation 2775147 (VCV002775147.2), dbSNP rs2469161844, ClinGen allele CA349845882.